The following is an entry in ClinVar:

ClinVar aggregate classification (germline): Likely pathogenic. Review status: criteria provided, multiple submitters, no conflicts (2 of 4 stars). 2 submissions from 2 submitters: Likely pathogenic (2). Last evaluated 2025-01-31.

Conditions:
Retinitis pigmentosa 61 (RP61). Identifiers: Orphanet 791, MedGen C3280041, MONDO:0013610, OMIM 614180.
Usher syndrome type 3. Also called: Usher Syndrome, Type III. Identifiers: Orphanet 231183, MedGen C1568248, MONDO:0016485.

gnomAD v4.1: 5 of 1,613,880 alleles (0.00031%); highest among the groups gnomAD compares: Non-Finnish European, 0.00042%; no homozygotes.

Submissions (2):

Natera, Inc.
Classification: Likely pathogenic for Usher syndrome type 3. Last evaluated: 2025-01-31. Review status: criteria provided, single submitter. Criteria: Natera Variant Classification Schema (03/2026). Collection method: clinical testing. Allele origin: germline.
Comment: The c.433+1G>T variant in CLRN1 is a canonical splice donor site variant predicted to affect pre-mRNA splicing, which may result in an abnormal transcript and altered protein product. This variant is expected to result in nonsense mediated decay, truncation, or a dysfunctional protein product. This variant is rare in the general population with a frequency below the threshold expected for the associated phenotype(s). Given the available evidence, this variant is classified as Likely Pathogenic.

Baylor Genetics
Classification: Likely pathogenic for Retinitis pigmentosa 61. Last evaluated: 2022-06-23. Review status: criteria provided, single submitter. Criteria: ACMG Guidelines, 2015. Collection method: clinical testing. Allele origin: unknown.

NM_174878.3(CLRN1):c.433+1G>T

Gene: CLRN1 (clarin 1; minus strand). Cytogenetic location: 3q25.1.
Variant type: single nucleotide variant.
Coding change: c.433+1G>T on transcript NM_174878.3 (MANE Select); the canonical splice donor site of the intron after coding-DNA position 433, G replaced by T.
Molecular consequence: splice donor variant.
Genome position (GRCh38, 1-based): chr3:150,941,581, C>A on the plus strand (G>T on the coding strand, the complement: CLRN1 is on the minus strand). VCF-style: chr3-150941581-C-A. GRCh37 (hg19) VCF-style: chr3-150659368-C-A.
Other names: c.205+1G>T (NM_052995.2); c.433+1G>T (NM_001195794.1, NM_174878.2); c.*47+1G>T (NM_001256819.2).
Identifiers: ClinVar variation 2680848 (VCV002680848.3), dbSNP rs201205811, ClinGen allele CA354955247.
Genomic context (GRCh38, chr3:150,941,581, plus strand): 5'-GACGGTCTTTTTGACATATTGAAAAGCACATTTGTCTTCAGAGGTAGAATTTTGTACTTA[C>A]CTGAAATGAAGCTCAAAAGGTACAGCCCTAGGGGACCATGCAGAGTTTCAAAAGGTTTTC-3'